The following is an entry in ClinVar:

NM_000138.5(FBN1):c.2542A>C (p.Thr848Pro)

Gene: FBN1 (fibrillin 1; minus strand). Cytogenetic location: 15q21.1.
Variant type: single nucleotide variant.
Coding change: c.2542A>C on transcript NM_000138.5 (MANE Select); coding-DNA position 2542, A replaced by C.
Protein change: p.Thr848Pro; replaces threonine 848 with proline.
Molecular consequence: missense variant.
Genome position (GRCh38, 1-based): chr15:48,495,258, T>G on the plus strand (A>C on the coding strand, the complement: FBN1 is on the minus strand). VCF-style: chr15-48495258-T-G. GRCh37 (hg19) VCF-style: chr15-48787455-T-G.
Other names: short protein forms T848P.
Identifiers: ClinVar variation 36053 (VCV000036053.7), dbSNP rs193922191, ClinGen allele CA013202.

ClinVar aggregate classification (germline): Conflicting classifications of pathogenicity. Review status: criteria provided, conflicting classifications (1 of 4 stars). 2 submissions from 2 submitters: Likely pathogenic (1); Uncertain significance (1). Last evaluated 2022-08-31.

Conditions:
Familial thoracic aortic aneurysm and aortic dissection (TAAD). Also called: Thoracic aortic aneurysms and dissections. Identifiers: Orphanet 91387, MedGen C4707243, MONDO:0019625.
Marfan syndrome (MFS). Also called: FBN1-Related Marfan Syndrome; Marfan syndrome type 1; Marfan's syndrome; Marfan syndrome, classic; MARFAN SYNDROME, TYPE I. Identifiers: Orphanet 284963, Orphanet 558, MedGen C0024796, MONDO:0007947, OMIM 154700.

Submissions (2):

Labcorp Genetics (formerly Invitae), Labcorp
Classification: Uncertain significance for Marfan syndrome; Familial thoracic aortic aneurysm and aortic dissection. Last evaluated: 2022-08-31. Review status: criteria provided, single submitter. Criteria: Invitae Variant Classification Sherloc (09022015). Collection method: clinical testing. Allele origin: germline.
Comment: This sequence change replaces threonine, which is neutral and polar, with proline, which is neutral and non-polar, at codon 848 of the FBN1 protein (p.Thr848Pro). This variant is not present in population databases (gnomAD no frequency). This variant has not been reported in the literature in individuals affected with FBN1-related conditions. ClinVar contains an entry for this variant (Variation ID: 36053). Algorithms developed to predict the effect of missense changes on protein structure and function are either unavailable or do not agree on the potential impact of this missense change (SIFT: "Deleterious"; PolyPhen-2: "Possibly Damaging"; Align-GVGD: "Class C0"). In summary, the available evidence is currently insufficient to determine the role of this variant in disease. Therefore, it has been classified as a Variant of Uncertain Significance.

Women's Health and Genetics/Laboratory Corporation of America, LabCorp
Classification: Likely pathogenic for Marfan Syndrome. Last evaluated: 2011-08-18. Review status: criteria provided, single submitter. Criteria: LabCorp Variant Classification Summary - May 2015. Collection method: curation, clinical testing. Allele origin: germline. Inheritance: autosomal unknown. Affected: yes.
ClinVar note: Converted during submission from likely pathogenic to Likely pathogenic.